The following is an entry in ClinVar:

NM_001039141.3(TRIOBP):c.4643C>T (p.Pro1548Leu)

Gene: TRIOBP (TRIO and F-actin binding protein; plus strand). Cytogenetic location: 22q13.1.
Variant type: single nucleotide variant.
Coding change: c.4643C>T on transcript NM_001039141.3 (MANE Select); coding-DNA position 4643, C replaced by T.
Protein change: p.Pro1548Leu; replaces proline 1548 with leucine.
Molecular consequence: missense variant.
Genome position (GRCh38, 1-based): chr22:37,734,979, C>T. VCF-style: chr22-37734979-C-T. GRCh37 (hg19) VCF-style: chr22-38130986-C-T.
Other names: short protein forms P1548L.
Identifiers: ClinVar variation 165595 (VCV000165595.17), dbSNP rs78894866, ClinGen allele CA178333.

ClinVar aggregate classification (germline): Benign. Review status: criteria provided, multiple submitters, no conflicts (2 of 4 stars). 3 submissions from 3 submitters: Benign (3). Last evaluated 2025-12-02.

Allele frequency attached by ClinVar (database versions not stated): ESP Exome Variant Server 0.00298; gnomAD 0.00357; TOPMed 0.00380; 1000 Genomes Project 0.00419; 1000 Genomes Project 30x 0.00500.
gnomAD v4.1: 1,034 of 1,613,458 alleles (0.064%); highest among the groups gnomAD compares: African/African-American, 1.3%; 7 homozygotes.

Submissions (3):

Labcorp Genetics (formerly Invitae), Labcorp
Classification: Benign. Last evaluated: 2025-12-02. Review status: criteria provided, single submitter. Criteria: Invitae Variant Classification Sherloc (09022015). Collection method: clinical testing. Allele origin: germline.

GeneDx
Classification: Benign. Last evaluated: 2020-09-23. Review status: criteria provided, single submitter. Criteria: GeneDx Variant Classification Process June 2021. Collection method: clinical testing. Allele origin: germline. Affected: yes.

Laboratory for Molecular Medicine, Mass General Brigham Personalized Medicine
Classification: Benign. Last evaluated: 2012-04-30. Review status: criteria provided, single submitter. Criteria: LMM Criteria. Collection method: clinical testing. Allele origin: germline. Observed: 1 variant allele.
Comment: Pro1548Leu in Exon 09 of TRIOBP: This variant is not expected to have clinical s ignificance because it has been identified in 0.8% (28/3392) of African American chromosomes from a broad population by the NHLBI Exome Sequencing Project (dbSNP rs78894866).